The following is an entry in ClinVar:

ClinVar aggregate classification (germline): Uncertain significance (1 of 4 stars; one submission).

Allele frequency attached by ClinVar (database versions not stated): gnomAD exomes below 0.00001 and 0.00002; TOPMed below 0.00001; ExAC 0.00001; gnomAD 0.00001.
gnomAD v4.1: 3 of 1,613,958 alleles (0.00019%); highest among the groups gnomAD compares: African/African-American, 0.004%; no homozygotes.

Submission:

Labcorp Genetics (formerly Invitae), Labcorp
Classification: Uncertain significance. Last evaluated: 2022-06-05. Review status: criteria provided, single submitter. Criteria: Invitae Variant Classification Sherloc (09022015). Collection method: clinical testing. Allele origin: germline.
Comment: This sequence change replaces arginine, which is basic and polar, with cysteine, which is neutral and slightly polar, at codon 910 of the ATP8A2 protein (p.Arg910Cys). This variant is present in population databases (rs778760006, gnomAD 0.01%). This variant has not been reported in the literature in individuals affected with ATP8A2-related conditions. ClinVar contains an entry for this variant (Variation ID: 1480398). Algorithms developed to predict the effect of missense changes on protein structure and function are either unavailable or do not agree on the potential impact of this missense change (SIFT: "Deleterious"; PolyPhen-2: "Probably Damaging"; Align-GVGD: "Class C0"). In summary, the available evidence is currently insufficient to determine the role of this variant in disease. Therefore, it has been classified as a Variant of Uncertain Significance.

NM_016529.6(ATP8A2):c.2728C>T (p.Arg910Cys)

Gene: ATP8A2 (ATPase phospholipid transporting 8A2). Cytogenetic location: 13q12.13.
Variant type: single nucleotide variant.
Coding change: c.2728C>T on transcript NM_016529.6 (MANE Select); coding-DNA position 2728, C replaced by T.
Protein change: p.Arg910Cys; replaces arginine 910 with cysteine.
Molecular consequence: missense variant. On other transcripts: genic downstream transcript variant (1).
Genome position (GRCh38, 1-based): chr13:25,828,166, C>T. VCF-style: chr13-25828166-C-T. GRCh37 (hg19) VCF-style: chr13-26402304-C-T.
Other names: c.2560-8997C>T (NM_001313741.1); short protein forms R910C.
Identifiers: ClinVar variation 1480398 (VCV001480398.6), dbSNP rs778760006, ClinGen allele CA6923418.